The following is an entry in ClinVar:

ClinVar aggregate classification (germline): Benign (1 of 4 stars; one submission).

Conditions:
Familial adenomatous polyposis 1 (FAP1). Also called: FAMILIAL ADENOMATOUS POLYPOSIS 1, ATTENUATED; POLYPOSIS, ADENOMATOUS INTESTINAL. Identifiers: MedGen C2713442, MONDO:0021056, OMIM 175100. Disease mechanism: loss of function.

Submission:

Myriad Genetics, Inc.
Classification: Benign for Familial adenomatous polyposis 1. Last evaluated: 2024-04-05. Review status: criteria provided, single submitter. Criteria: Myriad Autosomal Dominant, Autosomal Recessive and X-Linked Classification Criteria (2023). Collection method: clinical testing. Allele origin: unknown.
Comment: This variant is considered benign. This variant is a silent/synonymous amino acid change and it is not expected to impact splicing.

NM_000038.6(APC):c.6870C>T (p.Ser2290=)

Gene: APC (APC regulator of Wnt signaling pathway; plus strand). Cytogenetic location: 5q22.2.
Variant type: single nucleotide variant.
Coding change: c.6870C>T on transcript NM_000038.6 (MANE Select); coding-DNA position 6870, C replaced by T.
Protein change: p.Ser2290=; no amino-acid change (serine 2290 retained).
Molecular consequence: synonymous variant. On other transcripts: non-coding transcript variant (2).
Genome position (GRCh38, 1-based): chr5:112,842,464, C>T. VCF-style: chr5-112842464-C-T. GRCh37 (hg19) VCF-style: chr5-112178161-C-T.
Other names: c.6870C>T, p.Ser2290= (NM_001127510.3, NM_001354895.2, NM_001407450.1); c.6816C>T, p.Ser2272= (NM_001127511.3); c.6924C>T, p.Ser2308= (NM_001354896.2, NM_001407447.1, NM_001407448.1 and 1 more transcripts); c.6900C>T, p.Ser2300= (NM_001354897.2); c.6795C>T, p.Ser2265= (NM_001354898.2); c.6786C>T, p.Ser2262= (NM_001354899.2); c.6747C>T, p.Ser2249= (NM_001354900.2); c.6693C>T, p.Ser2231= (NM_001354901.2, NM_001407453.1); and 11 more.
Identifiers: ClinVar variation 3254441 (VCV003254441.1), dbSNP rs2149975117.